The following continues an entry in ClinVar:

NM_000492.4(CFTR):c.929TCT[2] (p.Phe312del)

Gene: CFTR. ClinVar aggregate classification (germline): Pathogenic/Likely pathogenic. Pathogenic (12); Likely pathogenic (4).

Submissions 12 to 18 of 18:

Women's Health and Genetics/Laboratory Corporation of America, LabCorp
Classification: Pathogenic for Cystic fibrosis. Last evaluated: 2022-01-10. Review status: criteria provided, single submitter. Criteria: LabCorp Variant Classification Summary - May 2015. Collection method: clinical testing. Allele origin: germline.
Comment: Variant summary: CFTR c.935_937delTCT (p.Phe312del) results in an in-frame deletion that is predicted to remove one phenylalanine from three consecutive phenylalanines, located in the first transmembrane region (IPR011527) of the encoded protein. The variant allele was found at a frequency of 7.6e-05 in 251076 control chromosomes in the gnomAD database, including 1 homozygote. This frequency is not significantly higher than expected for a pathogenic variant in CFTR causing Cystic Fibrosis (0.013), allowing no conclusion about variant significance. The variant (also known as deltaF311) has been reported in the literature in multiple individuals affected with Cystic Fibrosis (e.g. Meitinger_1993, Friedman_1998, Heim_2001, Watts_2012, Kharrazi_2015, Taccetti_2020). These data indicate that the variant is very likely to be associated with disease. To our knowledge, no experimental evidence demonstrating an impact on protein function has been reported. Three other clinical diagnostic laboratories have submitted clinical-significance assessments for this variant to ClinVar after 2014 without evidence for independent evaluation, and all of them classified the variant as pathogenic (n=2) / likely pathogenic (n=2). Based on the evidence outlined above, the variant was classified as pathogenic.

Quest Diagnostics Nichols Institute San Juan Capistrano
Classification: Pathogenic. Last evaluated: 2017-10-12. Review status: criteria provided, single submitter. Criteria: Quest Diagnostics criteria. Collection method: clinical testing. Allele origin: germline.

Eurofins Ntd Llc (ga)
Classification: Pathogenic. Last evaluated: 2013-11-19. Review status: criteria provided, single submitter. Criteria: EGL Classification Definitions. Collection method: clinical testing. Allele origin: germline. Observed: 2 variant alleles, 2 heterozygotes.

Baylor Genetics
Classification: Pathogenic for Congenital bilateral aplasia of vas deferens from CFTR mutation; Cystic fibrosis. Review status: criteria provided, single submitter. Criteria: ACMG Guidelines, 2015. Collection method: clinical testing. Allele origin: germline.

Juno Genomics, Hangzhou Juno Genomics, Inc
Classification: Likely pathogenic for Bronchiectasis with or without elevated sweat chloride 1; Hereditary pancreatitis; Congenital bilateral aplasia of vas deferens from CFTR mutation; Cystic fibrosis. Review status: criteria provided, single submitter. Criteria: ACMG Guidelines, 2015. Collection method: clinical testing. Allele origin: germline.
Comment: Absent from controls (or at extremely low frequency if recessive) in Genome Aggregation Database.;Protein length changes due to in-frame deletions/insertions in a non-repeat region or stop-loss variants.;For recessive disorders, detected in trans with a pathogenic variant.

PreventionGenetics, part of Exact Sciences
Classification: Pathogenic for CFTR-related condition. Last evaluated: 2024-06-27. Review status: no assertion criteria provided. Collection method: clinical testing. Allele origin: germline. Not counted in ClinVar's aggregate classification.
Comment: The CFTR c.935_937delTCT variant is predicted to result in an in-frame deletion (p.Phe312del). This variant, also referred to as p.Phe311del, has previously been reported to be causative for cystic fibrosis (Friedman et al. 1998. PubMed ID: 9443874; Bobadilla et al. 2002. PubMed ID: 12007216; Kammesheidt et al. 2006. PubMed ID: 16980811; Kay et al. 2015. PubMed ID: 26098992; Schrijver et al. 2016. PubMed ID: 26708955). This variant is reported in 0.035% of alleles in individuals of Latino descent in gnomAD. This variant is interpreted as pathogenic.

Counsyl
Classification: Likely pathogenic for Cystic fibrosis. Last evaluated: 2017-05-26. Review status: no assertion criteria provided. Collection method: clinical testing. Allele origin: unknown. Not counted in ClinVar's aggregate classification.

Literature cited by the submitters: PubMed 7509232 (cited by 6 submitters); PubMed 9443874 (cited by 4 submitters); PubMed 16980811 (cited by 3 submitters); PubMed 26098992 (cited by Labcorp Genetics (formerly Invitae), Labcorp and Counsyl); PubMed 37477516 (cited by Natera, Inc.); PubMed 35313924 (cited by Natera, Inc.); PubMed 26574590 (cited by 3 submitters); PubMed 32630227 (cited by Natera, Inc. and Women's Health and Genetics/Laboratory Corporation of America, LabCorp); PubMed 12007216 (cited by Ambry Genetics and Women's Health and Genetics/Laboratory Corporation of America, LabCorp); PubMed 27912062 (cited by Ambry Genetics); PubMed 18456578 (cited by Mayo Clinic Laboratories, Mayo Clinic); PubMed 22975760 (cited by Mayo Clinic Laboratories, Mayo Clinic); PubMed 31036917 (cited by Mayo Clinic Laboratories, Mayo Clinic and Women's Health and Genetics/Laboratory Corporation of America, LabCorp); PubMed 34134972 (cited by Mayo Clinic Laboratories, Mayo Clinic); PubMed 34782259 (cited by Mayo Clinic Laboratories, Mayo Clinic); PubMed 35315358 (cited by Mayo Clinic Laboratories, Mayo Clinic); PubMed 15371903 (cited by Women's Health and Genetics/Laboratory Corporation of America, LabCorp and Counsyl); PubMed 15858154 (cited by Women's Health and Genetics/Laboratory Corporation of America, LabCorp); PubMed 12394352 (cited by Women's Health and Genetics/Laboratory Corporation of America, LabCorp); PubMed 11388756 (cited by Women's Health and Genetics/Laboratory Corporation of America, LabCorp); PubMed 22311127 (cited by Women's Health and Genetics/Laboratory Corporation of America, LabCorp and Counsyl); PubMed 26847993 (cited by Women's Health and Genetics/Laboratory Corporation of America, LabCorp); PubMed 28801929 (cited by Women's Health and Genetics/Laboratory Corporation of America, LabCorp); PubMed 16617247 (cited by Women's Health and Genetics/Laboratory Corporation of America, LabCorp); PubMed 31672438 (cited by Women's Health and Genetics/Laboratory Corporation of America, LabCorp); PubMed 31665830 (cited by Women's Health and Genetics/Laboratory Corporation of America, LabCorp); PubMed 10923036 (cited by Counsyl); PubMed 18788470 (cited by Counsyl); PubMed 15300780 (cited by Counsyl); PubMed 26708955 (cited by Counsyl).